The following is an entry in ClinVar:

ClinVar aggregate classification (germline): Uncertain significance (1 of 4 stars; one submission).

Conditions:
Cardiovascular phenotype. Identifiers: MedGen CN230736.

gnomAD v4.1: 1 of 1,614,174 alleles (0.000062%); highest among the groups gnomAD compares: Non-Finnish European, 0.000085%; no homozygotes.

Submission:

Ambry Genetics
Classification: Uncertain significance for Cardiovascular phenotype. Last evaluated: 2025-10-01. Review status: criteria provided, single submitter. Criteria: Ambry Variant Classification Scheme 2023. Collection method: clinical testing. Allele origin: germline.
Comment: The p.C401R variant (also known as c.1201T>C), located in coding exon 7 of the SPRED1 gene, results from a T to C substitution at nucleotide position 1201. The cysteine at codon 401 is replaced by arginine, an amino acid with highly dissimilar properties. This amino acid position is conserved. In addition, this alteration is predicted to be deleterious by in silico analysis. Based on the available evidence, the clinical significance of this variant remains unclear.

NM_152594.3(SPRED1):c.1201T>C (p.Cys401Arg)

Gene: SPRED1 (sprouty related EVH1 domain containing 1; plus strand). Cytogenetic location: 15q14.
Variant type: single nucleotide variant.
Coding change: c.1201T>C on transcript NM_152594.3 (MANE Select); coding-DNA position 1201, T replaced by C.
Protein change: p.Cys401Arg; replaces cysteine 401 with arginine.
Molecular consequence: missense variant.
Genome position (GRCh38, 1-based): chr15:38,351,530, T>C. VCF-style: chr15-38351530-T-C. GRCh37 (hg19) VCF-style: chr15-38643731-T-C.
Other names: short protein forms C401R.
Identifiers: ClinVar variation 4615011 (VCV004615011.1).
Genomic context (GRCh38, chr15:38,351,530, plus strand): 5'-TCAGACTCAGAGGGAGATTTTTCTGATCCCTGTTCGTGTGACACTAGCGACGACAAGTTC[T>C]GCTTGCGATGGTTAGCCCTGGTAGCTTTGTCTTTCATTGTACCATGTATGTGCTGCTACG-3'
Protein context (NP_689807.1, residues 391-411): CSCDTSDDKF[Cys401Arg]LRWLALVALS